The following is an entry in ClinVar:

NM_002734.5(PRKAR1A):c.507T>A (p.Asp169Glu)

Gene: PRKAR1A (protein kinase cAMP-dependent type I regulatory subunit alpha; plus strand). Cytogenetic location: 17q24.2.
Variant type: single nucleotide variant.
Coding change: c.507T>A on transcript NM_002734.5 (MANE Select); coding-DNA position 507, T replaced by A.
Protein change: p.Asp169Glu; replaces aspartic acid 169 with glutamic acid.
Molecular consequence: missense variant.
Genome position (GRCh38, 1-based): chr17:68,524,916, T>A. VCF-style: chr17-68524916-T-A. GRCh37 (hg19) VCF-style: chr17-66521057-T-A.
Other names: c.507T>A, p.Asp169Glu (NM_001276289.2, NM_001276290.1, NM_001278433.2 and 4 more transcripts); short protein forms D169E.
Identifiers: ClinVar variation 968744 (VCV000968744.9), dbSNP rs2085738818, ClinGen allele CA400752935.
Genomic context (GRCh38, chr17:68,524,916, plus strand): 5'-TGATAATTTCTTTCTTTAATTTGGAATATGCTTCTAACTTTTTTACCCTCTTTTAGGTGA[T>A]GAAGGGGATAACTTCTATGTGATTGATCAAGGAGAGACGGATGTAAGATTTACCAATATC-3'
Protein context (NP_002725.1, residues 159-179): IAGETVIQQG[Asp169Glu]EGDNFYVIDQ

ClinVar aggregate classification (germline): Uncertain significance (1 of 4 stars; one submission).

Conditions:
Carney complex, type 1 (CNC1). Also called: CARNEY COMPLEX, TYPE I; CARNEY MYXOMA-ENDOCRINE COMPLEX. Identifiers: Orphanet 1359, MedGen C2607929, MONDO:0008057, OMIM 160980.

Submission:

Labcorp Genetics (formerly Invitae), Labcorp
Classification: Uncertain significance for Carney complex, type 1. Last evaluated: 2019-10-26. Review status: criteria provided, single submitter. Criteria: Invitae Variant Classification Sherloc (09022015). Collection method: clinical testing. Allele origin: germline.
Comment: In summary, the available evidence is currently insufficient to determine the role of this variant in disease. Therefore, it has been classified as a Variant of Uncertain Significance. Algorithms developed to predict the effect of missense changes on protein structure and function (SIFT, PolyPhen-2, Align-GVGD) all suggest that this variant is likely to be tolerated, but these predictions have not been confirmed by published functional studies and their clinical significance is uncertain. This variant has not been reported in the literature in individuals with PRKAR1A-related conditions. This variant is not present in population databases (ExAC no frequency). This sequence change replaces aspartic acid with glutamic acid at codon 169 of the PRKAR1A protein (p.Asp169Glu). The aspartic acid residue is highly conserved and there is a small physicochemical difference between aspartic acid and glutamic acid.